The following is an entry in ClinVar:

ClinVar aggregate classification (germline): Uncertain significance (1 of 4 stars; one submission).

Conditions:
Malignant hyperthermia, susceptibility to, 5 (MHS5). Also called: CACNA1S-Related Malignant Hyperthermia Susceptibility. Identifiers: Orphanet 423, MedGen C1866077, MONDO:0011163, OMIM 601887.

Submission:

All of Us Research Program, National Institutes of Health
Classification: Uncertain significance for Malignant hyperthermia, susceptibility to, 5. Last evaluated: 2023-04-03. Review status: criteria provided, single submitter. Criteria: ACMG Guidelines, 2015. Collection method: clinical testing. Allele origin: germline. Inheritance: Autosomal dominant inheritance. Observed: 1 variant allele, 1 heterozygote.
Comment: This missense variant replaces isoleucine with asparagine at codon 1195 of the CACNA1S protein. Computational prediction suggests that this variant may have deleterious impact on protein structure and function (internally defined REVEL score threshold >= 0.7, PMID: 27666373). To our knowledge, functional studies have not been reported for this variant. This variant has not been reported in individuals affected with CACNA1S-related disorders in the literature. This variant has not been identified in the general population by the Genome Aggregation Database (gnomAD). The available evidence is insufficient to determine the role of this variant in disease conclusively. Therefore, this variant is classified as a Variant of Uncertain Significance.

This study involves interpretation of variants in research participants for the purpose of population health screening. Participant phenotype was not available at the time of variant classification. Additional details can be found in publication PMID: 35346344, PMCID: PMC8962531

NM_000069.3(CACNA1S):c.3584T>A (p.Ile1195Asn)

Gene: CACNA1S (calcium voltage-gated channel subunit alpha1 S; minus strand). Cytogenetic location: 1q32.1.
Variant type: single nucleotide variant.
Coding change: c.3584T>A on transcript NM_000069.3 (MANE Select); coding-DNA position 3584, T replaced by A.
Protein change: p.Ile1195Asn; replaces isoleucine 1195 with asparagine.
Molecular consequence: missense variant.
Genome position (GRCh38, 1-based): chr1:201,058,433, A>T on the plus strand (T>A on the coding strand, the complement: CACNA1S is on the minus strand). VCF-style: chr1-201058433-A-T. GRCh37 (hg19) VCF-style: chr1-201027561-A-T.
Other names: short protein forms I1195N.
Identifiers: ClinVar variation 3070195 (VCV003070195.1), dbSNP rs200366112, ClinGen allele CA344157413.
Genomic context (GRCh38, chr1:201,058,433, plus strand): 5'-CACCCTAGTGATGGCTCTGCCTGCCTGATACTCACGTCGATCTCACTGAGGATGACATCA[A>T]TGATGCTGCCAATGACAATCAGGAAGTCAAACACATTCCAGGGGTCTCCAAAGTAGCCCT-3'
Protein context (NP_000060.2, residues 1185-1205): FDFLIVIGSI[Ile1195Asn]DVILSEIDTF